The following is an entry in ClinVar:

NM_006514.4(SCN10A):c.4883G>T (p.Ser1628Ile)

Gene: SCN10A (sodium voltage-gated channel alpha subunit 10; minus strand). Cytogenetic location: 3p22.2.
Variant type: single nucleotide variant.
Coding change: c.4883G>T on transcript NM_006514.4 (MANE Select); coding-DNA position 4883, G replaced by T.
Protein change: p.Ser1628Ile; replaces serine 1628 with isoleucine.
Molecular consequence: missense variant.
Genome position (GRCh38, 1-based): chr3:38,698,337, C>A on the plus strand (G>T on the coding strand, the complement: SCN10A is on the minus strand). VCF-style: chr3-38698337-C-A. GRCh37 (hg19) VCF-style: chr3-38739828-C-A.
Other names: p.Ser1628Ile; c.4880G>T, p.Ser1627Ile (NM_001293306.2); c.4589G>T, p.Ser1530Ile (NM_001293307.2); c.4883G>T (NM_006514.2); short protein forms S1530I, S1627I, S1628I.
Identifiers: ClinVar variation 961549 (VCV000961549.6), dbSNP rs1279255819, ClinGen allele CA352155272.
Genomic context (GRCh38, chr3:38,698,337, plus strand): 5'-GCGAAGGTCTGGAAGTTGAACATGTCGTCGATGCCAGCCTCCCACCTCACATGGGGAAAG[C>A]TGGACATACCGAAGATAGAGTAGATGAACATGACAAGGAATAGCAACAGCCCGATGTTGA-3'
Protein context (NP_006505.4, residues 1618-1638): MFIYSIFGMS[Ser1628Ile]FPHVRWEAGI

ClinVar aggregate classification (germline): Uncertain significance. Review status: criteria provided, multiple submitters, no conflicts (2 of 4 stars). 3 submissions from 3 submitters: Uncertain significance (3). Last evaluated 2025-07-07.

Conditions:
Brugada syndrome. Also called: Sudden Unexplained Death Syndrome; Sudden Unexplained Nocturnal Death Syndrome (SUNDS); Sudden unexpected nocturnal death syndrome; Sudden unexplained nocturnal death syndrome. Identifiers: Orphanet 130, MedGen C1142166, MONDO:0015263.
Cardiovascular phenotype. Identifiers: MedGen CN230736.

Allele frequency attached by ClinVar (database versions not stated): gnomAD 0.00001; gnomAD exomes 0.00001; TOPMed 0.00001.
gnomAD v4.1: 21 of 1,613,986 alleles (0.0013%); highest among the groups gnomAD compares: Middle Eastern, 0.017%; no homozygotes.

Submissions (3):

Labcorp Genetics (formerly Invitae), Labcorp
Classification: Uncertain significance for Brugada syndrome. Last evaluated: 2025-07-07. Review status: criteria provided, single submitter. Criteria: Invitae Variant Classification Sherloc (09022015). Collection method: clinical testing. Allele origin: germline.
Comment: This sequence change replaces serine, which is neutral and polar, with isoleucine, which is neutral and non-polar, at codon 1628 of the SCN10A protein (p.Ser1628Ile). This variant is not present in population databases (gnomAD no frequency). This variant has not been reported in the literature in individuals affected with SCN10A-related conditions. ClinVar contains an entry for this variant (Variation ID: 961549). Invitae Evidence Modeling of protein sequence and biophysical properties (such as structural, functional, and spatial information, amino acid conservation, physicochemical variation, residue mobility, and thermodynamic stability) indicates that this missense variant is not expected to disrupt SCN10A protein function with a negative predictive value of 80%. In summary, the available evidence is currently insufficient to determine the role of this variant in disease. Therefore, it has been classified as a Variant of Uncertain Significance.

Ambry Genetics
Classification: Uncertain significance for Cardiovascular phenotype. Last evaluated: 2024-06-30. Review status: criteria provided, single submitter. Criteria: Ambry Variant Classification Scheme 2023. Collection method: clinical testing. Allele origin: germline.
Comment: The p.S1628I variant (also known as c.4883G>T), located in coding exon 27 of the SCN10A gene, results from a G to T substitution at nucleotide position 4883. The serine at codon 1628 is replaced by isoleucine, an amino acid with dissimilar properties. This amino acid position is conserved. In addition, the in silico prediction for this alteration is inconclusive. Based on the available evidence, the clinical significance of this variant remains unclear.

Mayo Clinic Laboratories, Mayo Clinic
Classification: Uncertain significance. Last evaluated: 2022-05-13. Review status: criteria provided, single submitter. Criteria: ACMG Guidelines, 2015. Collection method: clinical testing. Allele origin: germline. Observed: 4 variant alleles.
Comment: PM2